The following is an entry in ClinVar:

NM_005585.5(SMAD6):c.298G>T (p.Ala100Ser)

Gene: SMAD6 (SMAD family member 6; plus strand). Cytogenetic location: 15q22.31.
Variant type: single nucleotide variant.
Coding change: c.298G>T on transcript NM_005585.5 (MANE Select); coding-DNA position 298, G replaced by T.
Protein change: p.Ala100Ser; replaces alanine 100 with serine.
Molecular consequence: missense variant. On other transcripts: non-coding transcript variant (1).
Genome position (GRCh38, 1-based): chr15:66,703,556, G>T. VCF-style: chr15-66703556-G-T. GRCh37 (hg19) VCF-style: chr15-66995894-G-T.
Other names: short protein forms A100S.
Identifiers: ClinVar variation 1798508 (VCV001798508.3), dbSNP rs946134204, ClinGen allele CA392949215.

ClinVar aggregate classification (germline): Uncertain significance (1 of 4 stars; one submission).

Conditions:
Inborn genetic diseases. Identifiers: MedGen C0950123, MeSH D030342.

gnomAD v4.1: 2 of 1,222,714 alleles (0.00016%); highest among the groups gnomAD compares: South Asian, 0.0082%; no homozygotes.

Submission:

Ambry Genetics
Classification: Uncertain significance for Inborn genetic diseases. Last evaluated: 2024-10-24. Review status: criteria provided, single submitter. Criteria: Ambry Variant Classification Scheme 2023. Collection method: clinical testing. Allele origin: germline.
Comment: The p.A100S variant (also known as c.298G>T), located in coding exon 1 of the SMAD6 gene, results from a G to T substitution at nucleotide position 298. The alanine at codon 100 is replaced by serine, an amino acid with similar properties. This amino acid position is conserved. In addition, this alteration is predicted to be tolerated by in silico analysis. Since supporting evidence is limited at this time, the clinical significance of this alteration remains unclear.